The following is an entry in ClinVar:

ClinVar aggregate classification (germline): Uncertain significance (1 of 4 stars; one submission).

Submission:

GeneDx
Classification: Uncertain significance. Last evaluated: 2019-07-17. Review status: criteria provided, single submitter. Criteria: GeneDx Variant Classification Process June 2021. Collection method: clinical testing. Allele origin: germline. Affected: yes.
Comment: Not observed in large population cohorts (Lek et al., 2016); In silico analysis, which includes protein predictors and evolutionary conservation, supports a deleterious effect; Has not been previously published as pathogenic or benign to our knowledge

NM_001330078.2(NRXN1):c.703T>C (p.Ser235Pro)

Gene: NRXN1 (neurexin 1; minus strand). Cytogenetic location: 2p16.3.
Variant type: single nucleotide variant.
Coding change: c.703T>C on transcript NM_001330078.2 (MANE Select); coding-DNA position 703, T replaced by C.
Protein change: p.Ser235Pro; replaces serine 235 with proline.
Molecular consequence: missense variant.
Genome position (GRCh38, 1-based): chr2:51,027,571, A>G on the plus strand (T>C on the coding strand, the complement: NRXN1 is on the minus strand). VCF-style: chr2-51027571-A-G. GRCh37 (hg19) VCF-style: chr2-51254709-A-G.
Other names: c.703T>C, p.Ser235Pro (NM_001135659.3, NM_001330077.2, NM_001330079.2 and 15 more transcripts); short protein forms S235P.
Identifiers: ClinVar variation 1318552 (VCV001318552.2), dbSNP rs2105327057, ClinGen allele CA346823461.